The following is an entry in ClinVar:

ClinVar aggregate classification (germline): Uncertain significance. Review status: criteria provided, multiple submitters, no conflicts (2 of 4 stars). 2 submissions from 2 submitters: Uncertain significance (2). Last evaluated 2025-02-10.

Conditions:
Congenital contractural arachnodactyly (CCA). Also called: Beals-Hecht syndrome; BEALS SYNDROME; Arthrogryposis, distal, type 9. Identifiers: Orphanet 115, MedGen C0220668, MONDO:0007363, OMIM 121050.

Allele frequency attached by ClinVar (database versions not stated): gnomAD exomes below 0.00001; gnomAD 0.00001; TOPMed 0.00001.
gnomAD v4.1: 4 of 1,613,690 alleles (0.00025%); highest among the groups gnomAD compares: Non-Finnish European, 0.00034%; no homozygotes.

Submissions (2):

GeneDx
Classification: Uncertain significance. Last evaluated: 2025-02-10. Review status: criteria provided, single submitter. Criteria: GeneDx Variant Classification Process June 2021. Collection method: clinical testing. Allele origin: germline. Affected: yes.
Comment: Not observed at significant frequency in large population cohorts (gnomAD); Has not been previously published as pathogenic or benign to our knowledge; In silico analysis suggests this variant may impact gene splicing. In the absence of RNA/functional studies, the actual effect of this sequence change is unknown.

Labcorp Genetics (formerly Invitae), Labcorp
Classification: Uncertain significance for Congenital contractural arachnodactyly. Last evaluated: 2024-08-01. Review status: criteria provided, single submitter. Criteria: Invitae Variant Classification Sherloc (09022015). Collection method: clinical testing. Allele origin: germline.
Comment: This sequence change falls in intron 62 of the FBN2 gene. It does not directly change the encoded amino acid sequence of the FBN2 protein. It affects a nucleotide within the consensus splice site. This variant is not present in population databases (gnomAD no frequency). This variant has been observed in individual(s) with thoracic aortic aneurysm (Invitae). ClinVar contains an entry for this variant (Variation ID: 213367). Variants that disrupt the consensus splice site are a relatively common cause of aberrant splicing (PMID: 17576681, 9536098). Algorithms developed to predict the effect of sequence changes on RNA splicing suggest that this variant may disrupt the consensus splice site. In summary, the available evidence is currently insufficient to determine the role of this variant in disease. Therefore, it has been classified as a Variant of Uncertain Significance.

Literature cited by the submitters: PubMed 17576681 (cited by Labcorp Genetics (formerly Invitae), Labcorp); PubMed 9536098 (cited by Labcorp Genetics (formerly Invitae), Labcorp).

NM_001999.4(FBN2):c.7960+5G>A

Gene: FBN2 (fibrillin 2; minus strand). Cytogenetic location: 5q23.3.
Variant type: single nucleotide variant.
Coding change: c.7960+5G>A on transcript NM_001999.4 (MANE Select); 5 bases into the intron after coding-DNA position 7960, G replaced by A.
Molecular consequence: intron variant.
Genome position (GRCh38, 1-based): chr5:128,271,994, C>T on the plus strand (G>A on the coding strand, the complement: FBN2 is on the minus strand). VCF-style: chr5-128271994-C-T. GRCh37 (hg19) VCF-style: chr5-127607686-C-T.
Identifiers: ClinVar variation 213367 (VCV000213367.6), dbSNP rs863223590, ClinGen allele CA322972.
Genomic context (GRCh38, chr5:128,271,994, plus strand): 5'-TTCATCTTATTCAGAGACACTTTCAGGTGAGAAAAGCAAGTGCGATGGAAGAAAAGAGCA[C>T]TCACCGACACACTGATTCCACTGGTAGTGCTGGATGTAGCCTTGGGGGCAGCCACATCTG-3'